The following is an entry in ClinVar:

ClinVar aggregate classification (germline): Benign (0 of 4 stars; one submission).

Conditions:
CCAR2-related disorder. Also called: CCAR2-related condition.

Allele frequency attached by ClinVar (database versions not stated): ExAC 0.37226; gnomAD 0.41526; TOPMed 0.41682; ESP Exome Variant Server 0.42280; 1000 Genomes Project 0.43810; 1000 Genomes Project 30x 0.44160.
gnomAD v4.1: 590,241 of 1,603,092 alleles (37%); highest among the groups gnomAD compares: African/African-American, 57%; 112,173 homozygotes.

Submission:

PreventionGenetics, part of Exact Sciences
Classification: Benign for CCAR2-related condition. Last evaluated: 2019-10-17. Review status: no assertion criteria provided. Collection method: clinical testing. Allele origin: germline.
Comment: This variant is classified as benign based on ACMG/AMP sequence variant interpretation guidelines (Richards et al. 2015 PMID: 25741868, with internal and published modifications).

NM_001393997.1(CCAR2):c.150+8C>G

Gene: CCAR2 (cell cycle and apoptosis regulator 2; plus strand). Cytogenetic location: 8p21.3.
Variant type: single nucleotide variant.
Coding change: c.150+8C>G on transcript NM_001393997.1 (MANE Select); 8 bases into the intron after coding-DNA position 150, C replaced by G.
Molecular consequence: intron variant.
Genome position (GRCh38, 1-based): chr8:22,606,184, C>G. VCF-style: chr8-22606184-C-G. GRCh37 (hg19) VCF-style: chr8-22463697-C-G.
Other names: c.150+8C>G (NM_001363069.2, NM_021174.6, NM_001363068.2).
Identifiers: ClinVar variation 3059619 (VCV003059619.2), dbSNP rs2291230, ClinGen allele CA4670170.